The following is an entry in ClinVar:

NM_198576.4(AGRN):c.4822G>A (p.Glu1608Lys)

Gene: AGRN (agrin; plus strand). Cytogenetic location: 1p36.33.
Variant type: single nucleotide variant.
Coding change: c.4822G>A on transcript NM_198576.4 (MANE Select); coding-DNA position 4822, G replaced by A.
Protein change: p.Glu1608Lys; replaces glutamic acid 1608 with lysine.
Molecular consequence: missense variant.
Genome position (GRCh38, 1-based): chr1:1,049,980, G>A. VCF-style: chr1-1049980-G-A. GRCh37 (hg19) VCF-style: chr1-985360-G-A.
Other names: c.4822G>A, p.Glu1608Lys (NM_001305275.2); c.4507G>A, p.Glu1503Lys (NM_001364727.2); short protein forms E1608K, E1503K.
Identifiers: ClinVar variation 936711 (VCV000936711.8), dbSNP rs770435802, ClinGen allele CA509654.
Genomic context (GRCh38, chr1:1,049,980, plus strand): 5'-GAGAAGAGCCCCTGCCAGCCCAACCCCTGCCATGGGGCGGCGCCCTGCCGTGTGCTGCCC[G>A]AGGGTGGTGCTCAGTGCGAGTGCCCCCTGGGGCGTGAGGGCACCTTCTGCCAGACAGGTC-3'
Protein context (NP_940978.2, residues 1598-1618): HGAAPCRVLP[Glu1608Lys]GGAQCECPLG

ClinVar aggregate classification (germline): Uncertain significance. Review status: criteria provided, multiple submitters, no conflicts (2 of 4 stars). 2 submissions from 2 submitters: Uncertain significance (2). Last evaluated 2021-08-20.

Conditions:
Congenital myasthenic syndrome 8. Also called: Myasthenic syndrome, congenital, 8, with pre- and postsynaptic defects; MYASTHENIC SYNDROME, CONGENITAL, DUE TO AGRIN DEFICIENCY. Identifiers: Orphanet 590, MedGen C3808739, MONDO:0014052, OMIM 615120.

Allele frequency attached by ClinVar (database versions not stated): TOPMed below 0.00001; ExAC 0.00001; gnomAD exomes 0.00001.

Submissions (2):

Labcorp Genetics (formerly Invitae), Labcorp
Classification: Uncertain significance for Congenital myasthenic syndrome 8. Last evaluated: 2021-08-20. Review status: criteria provided, single submitter. Criteria: Invitae Variant Classification Sherloc (09022015). Collection method: clinical testing. Allele origin: germline.
Comment: This sequence change replaces glutamic acid with lysine at codon 1608 of the AGRN protein (p.Glu1608Lys). The glutamic acid residue is moderately conserved and there is a small physicochemical difference between glutamic acid and lysine. This variant is present in population databases (rs770435802, ExAC 0.006%). This variant has not been reported in the literature in individuals affected with AGRN-related conditions. Algorithms developed to predict the effect of missense changes on protein structure and function output the following: SIFT: "Tolerated"; PolyPhen-2: "Benign"; Align-GVGD: "Class C0". The lysine amino acid residue is found in multiple mammalian species, which suggests that this missense change does not adversely affect protein function. In summary, the available evidence is currently insufficient to determine the role of this variant in disease. Therefore, it has been classified as a Variant of Uncertain Significance.

Blueprint Genetics
Classification: Uncertain significance. Last evaluated: 2019-06-10. Review status: criteria provided, single submitter. Criteria: ACMG Guidelines, 2015. Collection method: clinical testing. Allele origin: germline.